The following is an entry in ClinVar:

NM_001365276.2(TNXB):c.7019G>A (p.Gly2340Glu)

Gene: TNXB (tenascin XB; minus strand). Cytogenetic location: 6p21.33.
Variant type: single nucleotide variant.
Coding change: c.7019G>A on transcript NM_001365276.2 (MANE Select); coding-DNA position 7019, G replaced by A.
Protein change: p.Gly2340Glu; replaces glycine 2340 with glutamic acid.
Molecular consequence: missense variant.
Genome position (GRCh38, 1-based): chr6:32,062,306, C>T on the plus strand (G>A on the coding strand, the complement: TNXB is on the minus strand). VCF-style: chr6-32062306-C-T. GRCh37 (hg19) VCF-style: chr6-32030083-C-T.
Other names: c.7019G>A, p.Gly2340Glu (NM_019105.8); short protein forms G2340E.
Identifiers: ClinVar variation 1756702 (VCV001756702.2), dbSNP rs754276918, ClinGen allele CA3734275.

ClinVar aggregate classification (germline): Uncertain significance (1 of 4 stars; one submission).

Conditions:
Cardiovascular phenotype. Identifiers: MedGen CN230736.

Allele frequency attached by ClinVar (database versions not stated): ExAC 0.00001; gnomAD 0.00001; gnomAD exomes 0.00001; TOPMed 0.00001.

Submission:

Ambry Genetics
Classification: Uncertain significance for Cardiovascular phenotype. Last evaluated: 2021-06-14. Review status: criteria provided, single submitter. Criteria: Ambry Variant Classification Scheme 2023. Collection method: clinical testing. Allele origin: germline.
Comment: The p.G2340E variant (also known as c.7019G>A), located in coding exon 19 of the TNXB gene, results from a G to A substitution at nucleotide position 7019. The glycine at codon 2340 is replaced by glutamic acid, an amino acid with similar properties. This amino acid position is conserved. In addition, this alteration is predicted to be tolerated by in silico analysis. Since supporting evidence is limited at this time, the clinical significance of this alteration remains unclear.